The following is an entry in ClinVar:

ClinVar aggregate classification (germline): Benign (1 of 4 stars; one submission).

Allele frequency attached by ClinVar (database versions not stated): 1000 Genomes Project 30x 0.71736; 1000 Genomes Project 0.72943; TOPMed 0.76168; gnomAD 0.77570 and 0.78023.
gnomAD v4.1: 118,721 of 151,932 alleles (78%); highest among the groups gnomAD compares: Non-Finnish European, 92%; 49,258 homozygotes.

Submission:

GeneDx
Classification: Benign. Last evaluated: 2018-06-18. Review status: criteria provided, single submitter. Criteria: GeneDx Variant Classification (06012015). Collection method: clinical testing. Allele origin: germline. Affected: yes.
Comment: This variant is considered likely benign or benign based on one or more of the following criteria: it is a conservative change, it occurs at a poorly conserved position in the protein, it is predicted to be benign by multiple in silico algorithms, and/or has population frequency not consistent with disease.

NM_005633.4(SOS1):c.1203-307T>C

Gene: SOS1 (SOS Ras/Rac guanine nucleotide exchange factor 1; minus strand). Cytogenetic location: 2p22.1.
Variant type: single nucleotide variant.
Coding change: c.1203-307T>C on transcript NM_005633.4 (MANE Select); 307 bases into the intron before coding-DNA position 1203, T replaced by C.
Molecular consequence: intron variant.
Genome position (GRCh38, 1-based): chr2:39,023,532, A>G on the plus strand (T>C on the coding strand, the complement: SOS1 is on the minus strand). VCF-style: chr2-39023532-A-G. GRCh37 (hg19) VCF-style: chr2-39250673-A-G.
Other names: c.1182-307T>C (NM_001382394.1); c.1203-307T>C (NM_001382395.1).
Identifiers: ClinVar variation 561826 (VCV000561826.1), dbSNP rs10190377, ClinGen allele CA45675304.
Genomic context (GRCh38, chr2:39,023,532, plus strand): 5'-GATTATTTCTATCTTGGCTACTAAATATTTAGAATGACAACTAATAAAAAGTAGCCCAAT[A>G]CAGTAAAAAAAAGTAATCTGAAAGATTAAAATAAATTATTTAGAAGAGTTTAAATGGACA-3'